The following is an entry in ClinVar:

NM_001089.3(ABCA3):c.274A>T (p.Thr92Ser)

Gene: ABCA3 (ATP binding cassette subfamily A member 3; minus strand). Cytogenetic location: 16p13.3.
Variant type: single nucleotide variant.
Coding change: c.274A>T on transcript NM_001089.3 (MANE Select); coding-DNA position 274, A replaced by T.
Protein change: p.Thr92Ser; replaces threonine 92 with serine.
Molecular consequence: missense variant.
Genome position (GRCh38, 1-based): chr16:2,326,055, T>A on the plus strand (A>T on the coding strand, the complement: ABCA3 is on the minus strand). VCF-style: chr16-2326055-T-A. GRCh37 (hg19) VCF-style: chr16-2376056-T-A.
Other names: short protein forms T92S.
Identifiers: ClinVar variation 3954132 (VCV003954132.1).

ClinVar aggregate classification (germline): Uncertain significance (1 of 4 stars; one submission).

Conditions:
Hereditary pulmonary alveolar proteinosis. Also called: Pulmonary surfactant metabolism dysfunction. Identifiers: Orphanet 264675, MedGen C3711368, MONDO:0012580.

gnomAD v4.1: 10 of 1,613,704 alleles (0.00062%); highest among the groups gnomAD compares: Admixed American, 0.0067%; no homozygotes.

Submission:

Ambry Genetics
Classification: Uncertain significance for Hereditary pulmonary alveolar proteinosis. Last evaluated: 2025-05-05. Review status: criteria provided, single submitter. Criteria: Ambry Variant Classification Scheme 2023. Collection method: clinical testing. Allele origin: germline.
Comment: The p.T92S variant (also known as c.274A>T), located in coding exon 2 of the ABCA3 gene, results from an A to T substitution at nucleotide position 274. The threonine at codon 92 is replaced by serine, an amino acid with similar properties. This amino acid position is conserved. In addition, this alteration is predicted to be tolerated by in silico analysis. Based on the available evidence, the clinical significance of this variant remains unclear.